The following is an entry in ClinVar:

ClinVar aggregate classification (germline): Uncertain significance (1 of 4 stars; one submission).

Conditions:
Inborn genetic diseases. Identifiers: MedGen C0950123, MeSH D030342.

Submission:

Ambry Genetics
Classification: Uncertain significance for Inborn genetic diseases. Last evaluated: 2025-02-27. Review status: criteria provided, single submitter. Criteria: Ambry Variant Classification Scheme 2023. Collection method: clinical testing. Allele origin: germline.
Comment: The p.P174S variant (also known as c.520C>T), located in coding exon 2 of the GATA2 gene, results from a C to T substitution at nucleotide position 520. The proline at codon 174 is replaced by serine, an amino acid with similar properties. This amino acid position is conserved. In addition, this alteration is predicted to be deleterious by in silico analysis. Based on the available evidence, the clinical significance of this variant remains unclear.

NM_032638.5(GATA2):c.520C>T (p.Pro174Ser)

Gene: GATA2 (GATA binding protein 2; minus strand). Cytogenetic location: 3q21.3.
Variant type: single nucleotide variant.
Coding change: c.520C>T on transcript NM_032638.5 (MANE Select); coding-DNA position 520, C replaced by T.
Protein change: p.Pro174Ser; replaces proline 174 with serine.
Molecular consequence: missense variant.
Genome position (GRCh38, 1-based): chr3:128,486,078, G>A on the plus strand (C>T on the coding strand, the complement: GATA2 is on the minus strand). VCF-style: chr3-128486078-G-A. GRCh37 (hg19) VCF-style: chr3-128204921-G-A.
Other names: c.520C>T, p.Pro174Ser (NM_001145661.2, NM_001145662.1); short protein forms P174S.
Identifiers: ClinVar variation 3853035 (VCV003853035.1).